The following is an entry in ClinVar:

ClinVar aggregate classification (germline): Conflicting classifications of pathogenicity. Review status: criteria provided, conflicting classifications (1 of 4 stars). 3 submissions from 2 submitters: Uncertain significance (1); Benign (1); Likely benign (1). Last evaluated 2023-10-14.

Conditions:
Deficiency of steroid 11-beta-monooxygenase (CYP11B1). Also called: ADRENAL HYPERPLASIA, CONGENITAL, DUE TO STEROID 11-BETA-HYDROXYLASE DEFICIENCY; 11-BETA-HYDROXYLASE DEFICIENCY; P450C11B1 DEFICIENCY; STEROID 11-BETA-HYDROXYLASE DEFICIENCY; Congenital adrenal hyperplasia due to 11-beta-hydroxylase deficiency; ADRENAL HYPERPLASIA IV. Identifiers: Orphanet 90795, MedGen C0268292, MONDO:0008729, OMIM 202010. Disease mechanism: loss of function.
Glucocorticoid-remediable aldosteronism. Also called: Hyperaldosteronism, familial, type I; ACTH-DEPENDENT HYPERALDOSTERONISM SYNDROME; ALDOSTERONISM, SENSITIVE TO DEXAMETHASONE; FH I; GLUCOCORTICOID-SUPPRESSIBLE HYPERALDOSTERONISM. Identifiers: Orphanet 403, MedGen C3838731, MONDO:0007080, OMIM 103900.

Allele frequency attached by ClinVar (database versions not stated): gnomAD 0.00001; ExAC 0.00002; TOPMed 0.00002.
gnomAD v4.1: 13 of 1,613,990 alleles (0.00081%); highest among the groups gnomAD compares: Admixed American, 0.0067%; no homozygotes.

Submissions (3):

Labcorp Genetics (formerly Invitae), Labcorp
Classification: Likely benign. Last evaluated: 2023-10-14. Review status: criteria provided, single submitter. Criteria: Invitae Variant Classification Sherloc (09022015). Collection method: clinical testing. Allele origin: germline.

Illumina Laboratory Services, Illumina
Classification: Benign for Glucocorticoid-remediable aldosteronism. Last evaluated: 2018-01-12. Review status: criteria provided, single submitter. Criteria: ICSL Variant Classification Criteria 13 December 2019. Collection method: clinical testing. Allele origin: germline.
Comment: This variant was observed in the ICSL laboratory as part of a predisposition screen in an ostensibly healthy population. It had not been previously curated by ICSL or reported in the Human Gene Mutation Database (HGMD: prior to June 1st, 2018), and was therefore a candidate for classification through an automated scoring system. Utilizing variant allele frequency, disease prevalence and penetrance estimates, and inheritance mode, an automated score was calculated to assess if this variant is too frequent to cause the disease. Based on the score and internal cut-off values, a variant classified as benign is not then subjected to further curation. The score for this variant resulted in a classification of benign for this disease.

Illumina Laboratory Services, Illumina
Classification: Uncertain significance for Deficiency of steroid 11-beta-monooxygenase. Last evaluated: 2018-01-12. Review status: criteria provided, single submitter. Criteria: ICSL Variant Classification Criteria 13 December 2019. Collection method: clinical testing. Allele origin: germline.

NM_000497.4(CYP11B1):c.1200+11C>T

Genes: CYP11B1 (cytochrome P450 family 11 subfamily B member 1; minus strand), LOC106799833 (CYP11B1 recombination region; plus strand). Cytogenetic location: 8q24.3.
Variant type: single nucleotide variant.
Coding change: c.1200+11C>T on transcript NM_000497.4 (MANE Select); 11 bases into the intron after coding-DNA position 1200, C replaced by T.
Molecular consequence: intron variant.
Genome position (GRCh38, 1-based): chr8:142,875,223, G>A on the plus strand (C>T on the coding strand, the complement: CYP11B1 is on the minus strand). VCF-style: chr8-142875223-G-A. GRCh37 (hg19) VCF-style: chr8-143956639-G-A.
Other names: c.1200+11C>T (NM_001026213.1).
Identifiers: ClinVar variation 912157 (VCV000912157.7), dbSNP rs753651666, ClinGen allele CA4905079.